The following is an entry in ClinVar:

ClinVar aggregate classification (germline): Likely benign (1 of 4 stars; one submission).

Submission:

CeGaT Center for Human Genetics Tuebingen
Classification: Likely benign. Last evaluated: 2025-02-01. Review status: criteria provided, single submitter. Criteria: CeGaT Center For Human Genetics Tuebingen Variant Classification Criteria Version 2. Collection method: clinical testing. Allele origin: germline. Affected: yes. Observed: 1 variant allele.
Comment: MUC19: BP4, BP7

NC_000012.12:g.40485520C>G

Gene: MUC19 (mucin 19, oligomeric (gene/pseudogene); plus strand). Cytogenetic location: 12q12.
Variant type: single nucleotide variant.
Genome position: GRCh38 VCF-style: chr12-40485520-C-G. GRCh37 (hg19) VCF-style: chr12-40879322-C-G.
Identifiers: ClinVar variation 3770945 (VCV003770945.13).
Genomic context (GRCh38, chr12:40,485,520, plus strand): 5'-GACAGGAACAGTTGGATCATCAGCTGTGGTAACAGGGACAACTGGACTATCAGCTGGAGT[C>G]ACAGGGACAACTGGACCATCAGCTGAAGAGACAGGGGCAACTGGACCATCAGCCGAAGTG-3'